The following is an entry in ClinVar:

NM_002439.5(MSH3):c.467T>C (p.Leu156Pro)

Gene: MSH3 (mutS homolog 3; plus strand). Cytogenetic location: 5q14.1.
Variant type: single nucleotide variant.
Coding change: c.467T>C on transcript NM_002439.5 (MANE Select); coding-DNA position 467, T replaced by C.
Protein change: p.Leu156Pro; replaces leucine 156 with proline.
Molecular consequence: missense variant.
Genome position (GRCh38, 1-based): chr5:80,665,251, T>C. VCF-style: chr5-80665251-T-C. GRCh37 (hg19) VCF-style: chr5-79961070-T-C.
Other names: short protein forms L156P.
Identifiers: ClinVar variation 3645426 (VCV003645426.2).

ClinVar aggregate classification (germline): Uncertain significance (1 of 4 stars; one submission).

gnomAD v4.1: 1 of 1,614,112 alleles (0.000062%); highest among the groups gnomAD compares: South Asian, 0.0011%; no homozygotes.

Submission:

Labcorp Genetics (formerly Invitae), Labcorp
Classification: Uncertain significance. Last evaluated: 2024-03-12. Review status: criteria provided, single submitter. Criteria: Invitae Variant Classification Sherloc (09022015). Collection method: clinical testing. Allele origin: germline.
Comment: This sequence change replaces leucine, which is neutral and non-polar, with proline, which is neutral and non-polar, at codon 156 of the MSH3 protein (p.Leu156Pro). This variant is not present in population databases (gnomAD no frequency). This variant has not been reported in the literature in individuals affected with MSH3-related conditions. Algorithms developed to predict the effect of missense changes on protein structure and function output the following: SIFT: "Not Available"; PolyPhen-2: "Benign"; Align-GVGD: "Not Available". The proline amino acid residue is found in multiple mammalian species, which suggests that this missense change does not adversely affect protein function. In summary, the available evidence is currently insufficient to determine the role of this variant in disease. Therefore, it has been classified as a Variant of Uncertain Significance.